The following is an entry in ClinVar:

ClinVar aggregate classification (germline): Pathogenic (1 of 4 stars; one submission).

Conditions:
Polycystic kidney disease, adult type (PKD1). Also called: Polycystic Kidney, Autosomal Dominant; POLYCYSTIC KIDNEY DISEASE 1 WITH OR WITHOUT POLYCYSTIC LIVER DISEASE; Polycystic Kidney Disease 1, Autosomal Dominant; Polycystic kidney disease 1; Polycystic kidney disease 1, severe; POLYCYSTIC KIDNEY DISEASE, ADULT, TYPE I. Identifiers: MedGen C3149841, MONDO:0008263, OMIM 173900.

Submission:

MVZ Medizinische Genetik Mainz
Classification: Pathogenic for Polycystic kidney disease, adult type. Last evaluated: 2023-12-22. Review status: criteria provided, single submitter. Criteria: UK Practice Guidelines For Variant Classification V4 01 2020. Collection method: clinical testing. Allele origin: germline. Inheritance: Autosomal dominant inheritance. Affected: yes. Observed: 1 variant allele.
Comment: ACMG Criteria: PVS1,PM2_SUP,PP4

NM_001009944.3(PKD1):c.11002_11003dup (p.Gly3669fs)

Genes: PKD1 (polycystin 1, transient receptor potential channel interacting; minus strand), PKD1-AS1 (PKD1 antisense RNA 1; plus strand). Cytogenetic location: 16p13.3.
Variant type: Duplication.
Coding change: c.11002_11003dup on transcript NM_001009944.3 (MANE Select); coding-DNA positions 11002 to 11003, 2 bases duplicated (CA; older notation c.11002_11003dupCA).
Protein change: p.Gly3669fs; shifts the reading frame from glycine 3669.
Molecular consequence: frameshift variant.
Genome position (GRCh38, 1-based): chr16:2,093,557-2,093,558, TG duplicated on the plus strand (CA on the coding strand, the reverse complement: PKD1 is on the minus strand); duplicating any 2 consecutive bases within chr16:2,093,557-2,093,559 gives the same sequence; the c. name uses the placement nearest the transcript's 3' end. VCF-style (leftmost placement, unchanged base first): chr16-2093556-A-ATG. GRCh37 (hg19) VCF-style: chr16-2143557-A-ATG.
Other names: c.10999_11000dup, p.Gly3668fs (NM_000296.4); short protein forms G3668fs, G3669fs.
Identifiers: ClinVar variation 3068369 (VCV003068369.1), dbSNP rs2544646304, ClinGen allele CA2825002354.